The following is an entry in ClinVar:

ClinVar aggregate classification (germline): Uncertain significance (1 of 4 stars; one submission).

Conditions:
Perlman syndrome (PRLMNS). Identifiers: Orphanet 2849, MedGen C0796113, MONDO:0009965, OMIM 267000.

Submission:

Labcorp Genetics (formerly Invitae), Labcorp
Classification: Uncertain significance for Perlman syndrome. Last evaluated: 2022-09-13. Review status: criteria provided, single submitter. Criteria: Invitae Variant Classification Sherloc (09022015). Collection method: clinical testing. Allele origin: germline.
Comment: In summary, the available evidence is currently insufficient to determine the role of this variant in disease. Therefore, it has been classified as a Variant of Uncertain Significance. Advanced modeling of protein sequence and biophysical properties (such as structural, functional, and spatial information, amino acid conservation, physicochemical variation, residue mobility, and thermodynamic stability) performed at Invitae indicates that this missense variant is not expected to disrupt DIS3L2 protein function. This variant has not been reported in the literature in individuals affected with DIS3L2-related conditions. This variant is not present in population databases (gnomAD no frequency). This sequence change replaces glutamine, which is neutral and polar, with histidine, which is basic and polar, at codon 780 of the DIS3L2 protein (p.Gln780His).

NM_152383.5(DIS3L2):c.2340A>C (p.Gln780His)

Gene: DIS3L2 (DIS3 like 3'-5' exoribonuclease 2; plus strand). Cytogenetic location: 2q37.1.
Variant type: single nucleotide variant.
Coding change: c.2340A>C on transcript NM_152383.5 (MANE Select); coding-DNA position 2340, A replaced by C.
Protein change: p.Gln780His; replaces glutamine 780 with histidine.
Molecular consequence: missense variant. On other transcripts: non-coding transcript variant (2), intron variant (1).
Genome position (GRCh38, 1-based): chr2:232,334,681, A>C. VCF-style: chr2-232334681-A-C. GRCh37 (hg19) VCF-style: chr2-233199391-A-C.
Other names: c.1582-8664A>C (NM_001257281.2); short protein forms Q780H.
Identifiers: ClinVar variation 2198354 (VCV002198354.4), dbSNP rs2469449401, ClinGen allele CA350978013.